The following is an entry in ClinVar:

ClinVar aggregate classification (germline): Likely benign (1 of 4 stars; one submission).

gnomAD v4.1: 15 of 1,614,068 alleles (0.00093%); highest among the groups gnomAD compares: Admixed American, 0.012%; no homozygotes.

Submission:

CeGaT Center for Human Genetics Tuebingen
Classification: Likely benign. Last evaluated: 2025-10-01. Review status: criteria provided, single submitter. Criteria: CeGaT Center For Human Genetics Tuebingen Variant Classification Criteria Version 2. Collection method: clinical testing. Allele origin: germline. Affected: yes. Observed: 1 variant allele.
Comment: FRMD5: BP4, BP7

NM_032892.5(FRMD5):c.1287C>T (p.Ser429=)

Gene: FRMD5 (FERM domain containing 5; minus strand). Cytogenetic location: 15q15.3.
Variant type: single nucleotide variant.
Coding change: c.1287C>T on transcript NM_032892.5 (MANE Select); coding-DNA position 1287, C replaced by T.
Protein change: p.Ser429=; no amino-acid change (serine 429 retained).
Molecular consequence: synonymous variant. On other transcripts: non-coding transcript variant (1).
Genome position (GRCh38, 1-based): chr15:43,874,311, G>A on the plus strand (C>T on the coding strand, the complement: FRMD5 is on the minus strand). VCF-style: chr15-43874311-G-A. GRCh37 (hg19) VCF-style: chr15-44166509-G-A.
Other names: c.1005C>T, p.Ser335= (NM_001286490.2); c.585C>T, p.Ser195= (NM_001286491.2); c.1287C>T, p.Ser429= (NM_001322949.2, NM_001322950.2, NM_001411124.1); c.1182C>T, p.Ser394= (NM_001322951.2).
Identifiers: ClinVar variation 4534548 (VCV004534548.6).